The following is an entry in ClinVar:

NM_000059.4(BRCA2):c.6841+10C>A

Gene: BRCA2 (BRCA2 DNA repair associated; plus strand). Cytogenetic location: 13q13.1.
Variant type: single nucleotide variant.
Coding change: c.6841+10C>A on transcript NM_000059.4 (MANE Select); 10 bases into the intron after coding-DNA position 6841, C replaced by A.
Molecular consequence: intron variant.
Genome position (GRCh38, 1-based): chr13:32,341,206, C>A. VCF-style: chr13-32341206-C-A. GRCh37 (hg19) VCF-style: chr13-32915343-C-A.
Other names: c.6841+10C>A (NM_000059.3).
Identifiers: ClinVar variation 1587698 (VCV001587698.9), dbSNP rs1057522119, ClinGen allele CA2573149199.

ClinVar aggregate classification (germline): Conflicting classifications of pathogenicity. Review status: criteria provided, conflicting classifications (1 of 4 stars). 2 submissions from 2 submitters: Uncertain significance (1); Likely benign (1). Last evaluated 2023-05-18.

Conditions:
Hereditary breast ovarian cancer syndrome. Also called: Hereditary breast and/or ovarian cancer syndrome; Hereditary breast and ovarian cancer syndrome; Hereditary breast and ovarian cancer; Hereditary breast and ovarian cancer syndrome (HBOC); BRCA1- and BRCA2-Associated Hereditary Breast and Ovarian Cancer; Breast and ovarian cancer. Identifiers: Orphanet 145, MedGen C0677776, MeSH D061325, MONDO:0003582. Disease mechanism: loss of function.

Allele frequency attached by ClinVar (database versions not stated): gnomAD exomes below 0.00001.
gnomAD v4.1: 1 of 1,613,660 alleles (0.000062%); highest among the groups gnomAD compares: South Asian, 0.0011%; no homozygotes.

Submissions (2):

Quest Diagnostics Nichols Institute San Juan Capistrano
Classification: Uncertain significance. Last evaluated: 2023-05-18. Review status: criteria provided, single submitter. Criteria: Quest Diagnostics criteria. Collection method: clinical testing. Allele origin: unknown.
Comment: To the best of our knowledge, this variant has not been reported in the published literature. It also has not been reported in large, multi-ethnic general populations (Genome Aggregation Database). Analysis of this variant using software algorithms for the prediction of the effect of nucleotide changes on splicing yielded predictions that this variant does not affect BRCA2 mRNA splicing . Based on the available information, we are unable to determine the clinical significance of this variant.

Labcorp Genetics (formerly Invitae), Labcorp
Classification: Likely benign for Hereditary breast ovarian cancer syndrome. Last evaluated: 2021-10-16. Review status: criteria provided, single submitter. Criteria: Invitae Variant Classification Sherloc (09022015). Collection method: clinical testing. Allele origin: germline.